The following is an entry in ClinVar:

NM_001844.5(COL2A1):c.4104del (p.Asn1369fs)

Gene: COL2A1 (collagen type II alpha 1 chain; minus strand). Cytogenetic location: 12q13.11.
Variant type: Deletion.
Coding change: c.4104del on transcript NM_001844.5 (MANE Select); coding-DNA position 4104, one base deleted (C; older notation c.4104delC).
Protein change: p.Asn1369fs; shifts the reading frame from asparagine 1369.
Molecular consequence: frameshift variant.
Genome position (GRCh38, 1-based): chr12:47,974,302, G deleted on the plus strand (C on the coding strand, the reverse complement: COL2A1 is on the minus strand); the first of 3 consecutive G bases (chr12:47,974,302-47,974,304); deleting any one gives the same sequence. VCF-style (leftmost placement, unchanged base first): chr12-47974301-TG-T. GRCh37 (hg19) VCF-style: chr12-48368084-TG-T.
Other names: c.3897del, p.Asn1300fs (NM_033150.3); short protein forms N1300fs, N1369fs.
Identifiers: ClinVar variation 3653549 (VCV003653549.2).

ClinVar aggregate classification (germline): Pathogenic (1 of 4 stars; one submission).

Submission:

Labcorp Genetics (formerly Invitae), Labcorp
Classification: Pathogenic. Last evaluated: 2024-06-13. Review status: criteria provided, single submitter. Criteria: Invitae Variant Classification Sherloc (09022015). Collection method: clinical testing. Allele origin: germline.
Comment: This sequence change creates a premature translational stop signal (p.Asn1369Thrfs*7) in the COL2A1 gene. It is expected to result in an absent or disrupted protein product. Loss-of-function variants in COL2A1 are known to be pathogenic (PMID: 20179744). This variant is not present in population databases (gnomAD no frequency). This variant has not been reported in the literature in individuals affected with COL2A1-related conditions. For these reasons, this variant has been classified as Pathogenic.

Literature cited by the submitters: PubMed 20179744.